The following is an entry in ClinVar:

ClinVar aggregate classification (germline): Uncertain significance (1 of 4 stars; one submission).

Conditions:
Regional enteritis. Also called: Enteritis, Granulomatous. Identifiers: MedGen C0678202, MeSH D003424.
Blau syndrome (BLAUS). Also called: ARTHROCUTANEOUVEAL GRANULOMATOSIS; GRANULOMATOSIS, FAMILIAL JUVENILE SYSTEMIC; GRANULOMATOSIS, FAMILIAL, BLAU TYPE; GRANULOMATOUS INFLAMMATORY ARTHRITIS, DERMATITIS, AND UVEITIS, FAMILIAL; JABS SYNDROME. Identifiers: Orphanet 90340, MedGen C5201146, MONDO:0008523, OMIM 186580.

gnomAD v4.1: 4 of 1,614,052 alleles (0.00025%); highest among the groups gnomAD compares: Non-Finnish European, 0.00034%; no homozygotes.

Submission:

Labcorp Genetics (formerly Invitae), Labcorp
Classification: Uncertain significance for Regional enteritis; Blau syndrome. Last evaluated: 2024-11-27. Review status: criteria provided, single submitter. Criteria: Invitae Variant Classification Sherloc (09022015). Collection method: clinical testing. Allele origin: germline.
Comment: This sequence change replaces alanine, which is neutral and non-polar, with serine, which is neutral and polar, at codon 110 of the NOD2 protein (p.Ala110Ser). This variant is not present in population databases (gnomAD no frequency). This variant has not been reported in the literature in individuals affected with NOD2-related conditions. Invitae Evidence Modeling of protein sequence and biophysical properties (such as structural, functional, and spatial information, amino acid conservation, physicochemical variation, residue mobility, and thermodynamic stability) indicates that this missense variant is not expected to disrupt NOD2 protein function with a negative predictive value of 95%. In summary, the available evidence is currently insufficient to determine the role of this variant in disease. Therefore, it has been classified as a Variant of Uncertain Significance.

NM_001370466.1(NOD2):c.247G>T (p.Ala83Ser)

Gene: NOD2 (nucleotide binding oligomerization domain containing 2; plus strand). Cytogenetic location: 16q12.1.
Variant type: single nucleotide variant.
Coding change: c.247G>T on transcript NM_001370466.1 (MANE Select); coding-DNA position 247, G replaced by T.
Protein change: p.Ala83Ser; replaces alanine 83 with serine.
Molecular consequence: missense variant. On other transcripts: non-coding transcript variant (1).
Genome position (GRCh38, 1-based): chr16:50,699,742, G>T. VCF-style: chr16-50699742-G-T. GRCh37 (hg19) VCF-style: chr16-50733653-G-T.
Other names: c.247G>T, p.Ala83Ser (NM_001293557.2); c.328G>T, p.Ala110Ser (NM_022162.3); short protein forms A110S, A83S.
Identifiers: ClinVar variation 3754268 (VCV003754268.2).
Genomic context (GRCh38, chr16:50,699,742, plus strand): 5'-GACACCGTCTGGAATAAGGGTACTTGGGCCTGTCAGAAGCTCATCGCGGCTGCCCAAGAA[G>T]CCCAGGCCGACAGCCAGTCCCCCAAGCTGCATGGCTGCTGGGACCCCCACTCGCTCCACC-3'
Protein context (NP_001357395.1, residues 73-93): CQKLIAAAQE[Ala83Ser]QADSQSPKLH